The following is an entry in ClinVar:

NM_000188.3(HK1):c.1919C>T (p.Ala640Val)

Gene: HK1 (hexokinase 1; plus strand). Cytogenetic location: 10q22.1.
Variant type: single nucleotide variant.
Coding change: c.1919C>T on transcript NM_000188.3 (MANE Select); coding-DNA position 1919, C replaced by T.
Protein change: p.Ala640Val; replaces alanine 640 with valine.
Molecular consequence: missense variant.
Genome position (GRCh38, 1-based): chr10:69,386,402, C>T. VCF-style: chr10-69386402-C-T. GRCh37 (hg19) VCF-style: chr10-71146158-C-T.
Other names: c.1931C>T, p.Ala644Val (NM_001322364.2, NM_001358263.1, NM_033497.3 and 1 more transcripts); c.2024C>T, p.Ala675Val (NM_001322365.2); c.1835C>T, p.Ala612Val (NM_001322366.1); c.1823C>T, p.Ala608Val (NM_001322367.1); c.1916C>T, p.Ala639Val (NM_033496.3); c.1883C>T, p.Ala628Val (NM_033500.2); c.1919C>T (NM_000188.2); short protein forms A628V, A639V, A644V, A675V, A608V, A612V, A640V.
Identifiers: ClinVar variation 1369379 (VCV001369379.8), dbSNP rs1589576320, ClinGen allele CA376913139.
Genomic context (GRCh38, chr10:69,386,402, plus strand): 5'-CAAAGGGTTTTAAGGCAACAGACTGCGTGGGCCACGATGTAGTCACCTTACTAAGGGATG[C>T]GATAAAAAGGAGAGAGGTAACTATTAAAAGAATGTTTTTTAAAATCTTTACTGTTTTAGG-3'
Protein context (NP_000179.2, residues 630-650): GHDVVTLLRD[Ala640Val]IKRREEFDLD

ClinVar aggregate classification (germline): Uncertain significance. Review status: criteria provided, multiple submitters, no conflicts (2 of 4 stars). 3 submissions from 3 submitters: Uncertain significance (3). Last evaluated 2024-04-17.

Conditions:
Retinal dystrophy. Also called: Inherited retinal dystrophy. Identifiers: Orphanet 71862, MedGen C0854723, MeSH D058499, MONDO:0019118, HP:0000556.

Allele frequency attached by ClinVar (database versions not stated): gnomAD exomes below 0.00001.
gnomAD v4.1: 5 of 1,611,348 alleles (0.00031%); highest among the groups gnomAD compares: Non-Finnish European, 0.00042%; no homozygotes.

Submissions (3):

Labcorp Genetics (formerly Invitae), Labcorp
Classification: Uncertain significance. Last evaluated: 2024-04-17. Review status: criteria provided, single submitter. Criteria: Invitae Variant Classification Sherloc (09022015). Collection method: clinical testing. Allele origin: germline.
Comment: This sequence change replaces alanine, which is neutral and non-polar, with valine, which is neutral and non-polar, at codon 640 of the HK1 protein (p.Ala640Val). This variant is not present in population databases (gnomAD no frequency). This variant has not been reported in the literature in individuals affected with HK1-related conditions. ClinVar contains an entry for this variant (Variation ID: 1369379). Advanced modeling of protein sequence and biophysical properties (such as structural, functional, and spatial information, amino acid conservation, physicochemical variation, residue mobility, and thermodynamic stability) has been performed at Invitae for this missense variant, however the output from this modeling did not meet the statistical confidence thresholds required to predict the impact of this variant on HK1 protein function. In summary, the available evidence is currently insufficient to determine the role of this variant in disease. Therefore, it has been classified as a Variant of Uncertain Significance.

GeneDx
Classification: Uncertain significance. Last evaluated: 2023-12-18. Review status: criteria provided, single submitter. Criteria: GeneDx Variant Classification Process June 2021. Collection method: clinical testing. Allele origin: germline. Affected: yes.
Comment: Not observed at significant frequency in large population cohorts (gnomAD); In silico analysis supports that this missense variant has a deleterious effect on protein structure/function; Has not been previously published as pathogenic or benign to our knowledge

Dept Of Ophthalmology, Nagoya University
Classification: Uncertain significance for Retinal dystrophy. Last evaluated: 2023-10-01. Review status: criteria provided, single submitter. Criteria: Submitter's publication. Collection method: research. Allele origin: germline. Affected: yes.